The following is an entry in ClinVar:

NM_001267550.2(TTN):c.80169dup (p.Glu26724Ter)

Genes: TTN-AS1 (TTN antisense RNA 1; plus strand), TTN (titin; minus strand). Cytogenetic location: 2q31.2.
Variant type: Duplication.
Coding change: c.80169dup on transcript NM_001267550.2 (MANE Select); coding-DNA position 80169, one base duplicated (T; older notation c.80169dupT).
Protein change: p.Glu26724Ter; replaces glutamic acid 26724 with a stop codon.
Molecular consequence: nonsense.
Genome position (GRCh38, 1-based): chr2:178,565,963, A duplicated on the plus strand (T on the coding strand, the reverse complement: TTN is on the minus strand). VCF-style (leftmost placement, unchanged base first): chr2-178565962-C-CA. GRCh37 (hg19) VCF-style: chr2-179430689-C-CA.
Other names: c.75246dup, p.Glu25083Ter (NM_001256850.1); c.52974dup, p.Glu17659Ter (NM_003319.4); c.72465dup, p.Glu24156Ter (NM_133378.4); c.53349dup, p.Glu17784Ter (NM_133432.3); c.53550dup, p.Glu17851Ter (NM_133437.4); short protein forms E17659*, E24156*, E25083*, E17851*, E26724*, E17784*.
Identifiers: ClinVar variation 954347 (VCV000954347.10), dbSNP rs1705682545, ClinGen allele CA1139657425.

ClinVar aggregate classification (germline): Likely pathogenic (1 of 4 stars; one submission).

Conditions:
Dilated cardiomyopathy 1G (CMD1G). Identifiers: Orphanet 154, MedGen C1858763, MONDO:0011400, OMIM 604145.
Autosomal recessive limb-girdle muscular dystrophy type 2J (LGMDR10). Also called: Limb-girdle muscular dystrophy, type 2J; MUSCULAR DYSTROPHY, LIMB-GIRDLE, AUTOSOMAL RECESSIVE 10. Identifiers: Orphanet 140922, MedGen C1837342, MONDO:0012127, OMIM 608807.

Submission:

Labcorp Genetics (formerly Invitae), Labcorp
Classification: Likely pathogenic for Dilated cardiomyopathy 1G; Autosomal recessive limb-girdle muscular dystrophy type 2J. Last evaluated: 2019-10-21. Review status: criteria provided, single submitter. Criteria: Invitae Variant Classification Sherloc (09022015). Collection method: clinical testing. Allele origin: germline.
Comment: This sequence change results in a premature translational stop signal in the TTN gene (p.Glu26724*). While this is not anticipated to result in nonsense mediated decay, it is expected to create a truncated TTN protein. In summary, the currently available evidence indicates that the variant is pathogenic, but additional data are needed to prove that conclusively. Therefore, this variant has been classified as Likely Pathogenic. This variant is located in the A band of TTN (PMID: 25589632). Truncating variants in this region are significantly overrepresented in patients affected with dilated cardiomyopathy (PMID: 25589632). Truncating variants in this region have also been reported in individuals affected with autosomal recessive centronuclear myopathy (PMID: 23975875). This variant has not been reported in the literature in individuals with TTN-related conditions. This variant is not present in population databases (ExAC no frequency).

Literature cited by the submitters: PubMed 25589632; PubMed 23975875.